The following is an entry in ClinVar:

ClinVar aggregate classification (germline): Uncertain significance (1 of 4 stars; one submission).

Conditions:
Hereditary angioedema type 3 (HAE3). Also called: ANGIONEUROTIC EDEMA, HEREDITARY, WITH NORMAL C1 INHIBITOR CONCENTRATION AND FUNCTION; HAE WITH NORMAL C1 INHIBITOR CONCENTRATION AND FUNCTION; ESTROGEN-RELATED HAE; ESTROGEN-SENSITIVE HAE. Identifiers: Orphanet 100054, MedGen C1857728, MONDO:0012526, OMIM 610618.

Submission:

CeMIA
Classification: Uncertain significance for Hereditary angioedema type 3. Review status: criteria provided, single submitter. Criteria: ACMG Guidelines, 2015. Collection method: clinical testing. Allele origin: germline. Observed: 1 variant allele.
Comment: Bioinformatic analysis by SIFT and PolyPhen2 algorithms predicted this mutation as deleterious and possibly damaging, respectively. It was not detected amongst 125,748 exomes and 15,708 genomes of the Genome Aggregation Database (gnomAD), indicating that it is not a common variant. Taking all the above into account and according to ACMG Guidelines (Criteria:PM2,PP3) the variant is considered as of uncertain significance.

NM_000505.4(F12):c.1768T>G (p.Cys590Gly)

Gene: F12 (coagulation factor XII; minus strand). Cytogenetic location: 5q35.3.
Variant type: single nucleotide variant.
Coding change: c.1768T>G on transcript NM_000505.4 (MANE Select); coding-DNA position 1768, T replaced by G.
Protein change: p.Cys590Gly; replaces cysteine 590 with glycine.
Molecular consequence: missense variant.
Genome position (GRCh38, 1-based): chr5:177,402,372, A>C on the plus strand (T>G on the coding strand, the complement: F12 is on the minus strand). VCF-style: chr5-177402372-A-C. GRCh37 (hg19) VCF-style: chr5-176829373-A-C.
Other names: short protein forms C590G.
Identifiers: ClinVar variation 983441 (VCV000983441.2), dbSNP rs1157280571, ClinGen allele CA362321444.